The following is an entry in ClinVar:

ClinVar aggregate classification (germline): Conflicting classifications of pathogenicity. Review status: criteria provided, conflicting classifications (1 of 4 stars). 3 submissions from 3 submitters: Uncertain significance (2); Likely benign (1). Last evaluated 2024-01-22.

Conditions:
Inborn genetic diseases. Identifiers: MedGen C0950123, MeSH D030342.

Allele frequency attached by ClinVar (database versions not stated): gnomAD 0.00002.
gnomAD v4.1: 35 of 1,613,660 alleles (0.0022%); highest among the groups gnomAD compares: Non-Finnish European, 0.003%; no homozygotes.

Submissions (3):

Labcorp Genetics (formerly Invitae), Labcorp
Classification: Uncertain significance. Last evaluated: 2024-01-22. Review status: criteria provided, single submitter. Criteria: Invitae Variant Classification Sherloc (09022015). Collection method: clinical testing. Allele origin: germline.
Comment: This sequence change replaces glutamic acid, which is acidic and polar, with aspartic acid, which is acidic and polar, at codon 491 of the SETD5 protein (p.Glu491Asp). This variant is present in population databases (rs754872251, gnomAD 0.004%). This variant has not been reported in the literature in individuals affected with SETD5-related conditions. ClinVar contains an entry for this variant (Variation ID: 2066965). Advanced modeling of protein sequence and biophysical properties (such as structural, functional, and spatial information, amino acid conservation, physicochemical variation, residue mobility, and thermodynamic stability) performed at Invitae indicates that this missense variant is not expected to disrupt SETD5 protein function with a negative predictive value of 80%. In summary, the available evidence is currently insufficient to determine the role of this variant in disease. Therefore, it has been classified as a Variant of Uncertain Significance.

GeneDx
Classification: Uncertain significance. Last evaluated: 2022-08-08. Review status: criteria provided, single submitter. Criteria: GeneDx Variant Classification Process June 2021. Collection method: clinical testing. Allele origin: germline. Affected: yes.
Comment: In silico analysis supports that this missense variant does not alter protein structure/function; Has not been previously published as pathogenic or benign to our knowledge

Ambry Genetics
Classification: Likely benign for Inborn genetic diseases. Last evaluated: 2022-07-20. Review status: criteria provided, single submitter. Criteria: Ambry Variant Classification Scheme 2023. Collection method: clinical testing. Allele origin: germline.

NM_001080517.3(SETD5):c.1473A>C (p.Glu491Asp)

Gene: SETD5 (SET domain containing 5; plus strand). Cytogenetic location: 3p25.3.
Variant type: single nucleotide variant.
Coding change: c.1473A>C on transcript NM_001080517.3 (MANE Select); coding-DNA position 1473, A replaced by C.
Protein change: p.Glu491Asp; replaces glutamic acid 491 with aspartic acid.
Molecular consequence: missense variant.
Genome position (GRCh38, 1-based): chr3:9,445,689, A>C. VCF-style: chr3-9445689-A-C. GRCh37 (hg19) VCF-style: chr3-9487373-A-C.
Other names: c.1179A>C, p.Glu393Asp (NM_001292043.2, NM_001349451.2); short protein forms E393D, E491D.
Identifiers: ClinVar variation 2066965 (VCV002066965.6), dbSNP rs754872251, ClinGen allele CA2239194.
Genomic context (GRCh38, chr3:9,445,689, plus strand): 5'-ACAGCTGAATATTGCCTCTATCTTAAAGGAAGTAGACAATCCAGAAGAAAAACCAGAAGA[A>C]GAGAAAGAAGAGGTTATAGATGACCAGGAGAACCTAGCTCATAGCAGGAGGGTGAGTACT-3'
Protein context (NP_001073986.1, residues 481-501): EVDNPEEKPE[Glu491Asp]EKEEVIDDQE